The following is an entry in ClinVar:

NM_020987.5(ANK3):c.6683A>T (p.Asp2228Val)

Gene: ANK3 (ankyrin 3; minus strand). Cytogenetic location: 10q21.2.
Variant type: single nucleotide variant.
Coding change: c.6683A>T on transcript NM_020987.5 (MANE Select); coding-DNA position 6683, A replaced by T.
Protein change: p.Asp2228Val; replaces aspartic acid 2228 with valine.
Molecular consequence: missense variant. On other transcripts: intron variant (4).
Genome position (GRCh38, 1-based): chr10:60,074,198, T>A on the plus strand (A>T on the coding strand, the complement: ANK3 is on the minus strand). VCF-style: chr10-60074198-T-A. GRCh37 (hg19) VCF-style: chr10-61833956-T-A.
Other names: c.4388-6189A>T (NM_001204403.2); c.4409-6189A>T (NM_001204404.2); c.4406-6189A>T (NM_001320874.2); c.1808-6189A>T (NM_001149.4); short protein forms D2228V.
Identifiers: ClinVar variation 3899587 (VCV003899587.1).
Genomic context (GRCh38, chr10:60,074,198, plus strand): 5'-GTGGTTATGTGAGTCTCTTCTTTAACACGCATGCCTTTGCTTAAAACCCGATTGTGGTCA[T>A]CTTCTTCACTACTGGCTTTCATTTGAAATGCTTTAACCTTTTCTTTAATACTAGAGGTGG-3'
Protein context (NP_066267.2, residues 2218-2238): AFQMKASSEE[Asp2228Val]DHNRVLSKGM

ClinVar aggregate classification (germline): Uncertain significance (1 of 4 stars; one submission).

gnomAD v4.1: 5 of 1,614,130 alleles (0.00031%); highest among the groups gnomAD compares: Non-Finnish European, 0.00042%; no homozygotes.

Submission:

GeneDx
Classification: Uncertain significance. Last evaluated: 2024-11-11. Review status: criteria provided, single submitter. Criteria: GeneDx Variant Classification Process June 2021. Collection method: clinical testing. Allele origin: germline. Affected: yes.
Comment: Not observed at significant frequency in large population cohorts (gnomAD); In silico analysis supports that this missense variant has a deleterious effect on protein structure/function; Has not been previously published as pathogenic or benign to our knowledge